The following is an entry in ClinVar:

ClinVar aggregate classification (germline): Pathogenic/Likely pathogenic. Review status: criteria provided, multiple submitters, no conflicts (2 of 4 stars). 12 submissions from 12 submitters: Pathogenic (7); Likely pathogenic (3). 2 of the submissions do not count toward it. Last evaluated 2025-11-08.

Conditions:
Cerebral arteriopathy with subcortical infarcts and leukoencephalopathy. Also called: Cerebral autosomal dominant arteriopathy with subcortical infarcts and leukoencephalopathy. Identifiers: MedGen C0751587, MONDO:0007432.
Cerebral arteriopathy, autosomal dominant, with subcortical infarcts and leukoencephalopathy, type 1 (CADASIL1). Also called: CADASIL 1; Cerebral arteriopathy with subcortical infarcts and leukoencephalopathy 1; CASIL; DEMENTIA, HEREDITARY MULTIINFARCT TYPE. Identifiers: Orphanet 136, MedGen C4551768, MONDO:0000914, OMIM 125310.
NOTCH3-related disorder. Also called: NOTCH3-related disorders; NOTCH3-related condition.
Lateral meningocele syndrome (LMNS). Also called: NOTCH3-Related Lateral Meningocele Syndrome. Identifiers: Orphanet 2789, MedGen C1851710, MONDO:0007537, OMIM 130720.

gnomAD v4.1: 25 of 1,613,930 alleles (0.0015%); highest among the groups gnomAD compares: Admixed American, 0.018%; no homozygotes.

Submissions 1 to 7 of 12:

Labcorp Genetics (formerly Invitae), Labcorp
Classification: Pathogenic. Last evaluated: 2025-11-08. Review status: criteria provided, single submitter. Criteria: Invitae Variant Classification Sherloc (09022015). Collection method: clinical testing. Allele origin: germline.
Comment: This sequence change replaces arginine, which is basic and polar, with cysteine, which is neutral and slightly polar, at codon 587 of the NOTCH3 protein (p.Arg587Cys). This variant is present in population databases (rs754554486, gnomAD 0.02%). This missense change has been observed in individuals with clinical features of NOTCH3-related conditions (PMID: 16717210, 26002683, 26305465, 26308724, 28341077, 28710804, 28860774, 31443546, 32277177). ClinVar contains an entry for this variant (Variation ID: 1339489). Invitae Evidence Modeling of protein sequence and biophysical properties (such as structural, functional, and spatial information, amino acid conservation, physicochemical variation, residue mobility, and thermodynamic stability) indicates that this missense variant is expected to disrupt NOTCH3 protein function with a positive predictive value of 95%. For these reasons, this variant has been classified as Pathogenic.

Mayo Clinic Laboratories, Mayo Clinic
Classification: Pathogenic. Last evaluated: 2025-10-10. Review status: criteria provided, single submitter. Criteria: ACMG Guidelines, 2015. Collection method: clinical testing. Allele origin: germline. Observed: 2 variant alleles.
Comment: PP1_strong, PP3, PP4, PM1, PM2_supporting, PS4_moderate

ARUP Laboratories, Molecular Genetics and Genomics, ARUP Laboratories
Classification: Pathogenic. Last evaluated: 2025-05-06. Review status: criteria provided, single submitter. Criteria: ARUP Molecular Germline Variant Investigation Process 2024. Collection method: clinical testing. Allele origin: germline.
Comment: The NOTCH3 c.1759C>T; p.Arg587Cys variant (rs754554486, ClinVar Variation ID: 1339489) is reported in the literature in several individuals affected with CADASIL (Chu 2023, He 2020, Hu 2021, Kim 2006, Kim 2020, Min 2022, Mukai 2020, Ni 2022, Rutten 2016, Wu 2023, Yoon 2015, You 2017). This variant is found in the general population with an overall allele frequency of .0035% (10/281954 alleles) in the Genome Aggregation Database (v2.1.1). Computational analyses predict that this variant is deleterious (REVEL: 0.764). Most pathogenic NOTCH3 variants occur in exons 2-24 and either create or destroy a cysteine residue within an EGF-like domain (Rutten 2014). These variants lead to protein misfolding and aberrant multimerization, and thus the p.Arg587Cys variant is consistent with the predominant mechanism of disease in NOTCH3. Based on available information, this variant is considered to be pathogenic. References: Chu Y et al. A case of recurrent intracranial hemorrhage in CADASIL caused by NOTCH3 c.1759C>T heterozygous mutation. J Clin Lab Anal. 2023 Jan;37(2):e24840. PMID: 36604800. He R et al. Homozygous NOTCH3 p.R587C mutation in Chinese patients with CADASIL: a case report. BMC Neurol. 2020 Mar 2;20(1):72. PMID: 32122318. Hu Y et al. NOTCH3 Variants and Genotype-Phenotype Features in Chinese CADASIL Patients. Front Genet. 2021 Jul 15;12:705284. PMID: 34335700. Kim Y et al. Characteristics of CADASIL in Korea: a novel cysteine-sparing Notch3 mutation. Neurology. 2006 May 23;66(10):1511-6. PMID: 16717210. Kim H et al. Clinical and imaging features of patients with cerebral autosomal dominant arteriopathy with subcortical infarcts and leukoencephalopathy and cysteine-sparing NOTCH3 mutations. PLoS One. 2020 Jun 18;15(6):e0234797. PMID: 32555735. Min JY et al. Mutation spectrum and genotype-phenotype correlations in 157 Korean CADASIL patients: a multicenter study. Neurogenetics. 2022 Jan;23(1):45-58. PMID: 34741685. Mukai M et al. Genotype-phenotype correlations and effect of mutation location in Japanese CADASIL patients. J Hum Genet. 2020 Aug;65(8):637-646. PMID: 32277177. Ni W et al. Genetic spectrum of NOTCH3 and clinical phenotype of CADASIL patients in different populations. CNS Neurosci Ther. 2022 Nov;28(11):1779-1789. PMID: 35822697. Rutten JW et al. Archetypal NOTCH3 mutations frequent in public exome: implications for CADASIL. Ann Clin Transl Neurol. 2016 Sep 28;3(11):844-853. PMID: 27844030. Rutten JW et al. Interpretation of NOTCH3 mutations in the diagnosis of CADASIL. Expert Rev Mol Diagn. 2014 Jun;14(5):593-603. PMID: 24844136. Wu C et al. The genetic and phenotypic spectra of adult genetic leukoencephalopathies in a cohort of 309 patients. Brain. 2023 Jun 1;146(6):2364-2376. PMID: 36380532. Yoon CW et al. NOTCH3 variants in patients with subcortical vascular cognitive impairment: a comparison with typical CADASIL patients. Neurobiol Aging. 2015 Aug;36(8):2443.e1-7. PMID: 26002683. You J et al. First Report of Arg587Cys Mutation of Notch3 Gene in Two Chinese Families with CADASIL. J Stroke Cerebrovasc Dis. 2017 Jan;26(1):e1-e4. PMID: 28341077.

PreventionGenetics, part of Exact Sciences
Classification: Likely pathogenic for NOTCH3-related condition. Last evaluated: 2025-01-23. Review status: criteria provided, single submitter. Criteria: ACMG Guidelines, 2015. Collection method: clinical testing. Allele origin: germline.
Comment: The NOTCH3 c.1759C>T variant is predicted to result in the amino acid substitution p.Arg587Cys. This variant has been reported in multiple individuals with CADASIL (Kim et al. 2006. PubMed ID: 16717210; Yoon et al. 2015. PubMed ID: 26002683; Rutten et al. 2016. PubMed ID: 27844030; You et al. 2016. PubMed ID: 28341077). This variant is reported in 0.017% of alleles in individuals of Latino descent in gnomAD. Most CADASIL causing variants in the NOTCH3 gene result in the gain or loss of one or more cysteine residues in the extracellular domain of the protein, as seen in this patient. This patient’s variant substitutes a cysteine residue in the extracellular EGF-like domain 15. Pathogenic variants in EGF-like domains 1-6 appear to be fully penetrant and are usually associated with the classical CADASIL phenotype. However, there is variability in disease severity. Pathogenic variants in EGF-like domains 7-34 have a much higher population frequency and can predispose to a milder small-vessel disease, possibly even displaying incomplete or at least very late onset complete penetrance (OMIM #125310; Rutten et al. 2016. PubMed ID: 27844030; Rutten et al. 2019. PubMed ID: 30032161). This variant is interpreted as likely pathogenic.

Women's Health and Genetics/Laboratory Corporation of America, LabCorp
Classification: Pathogenic for NOTCH3-Related Disorders. Last evaluated: 2024-07-02. Review status: criteria provided, single submitter. Criteria: LabCorp Variant Classification Summary - May 2015. Collection method: clinical testing. Allele origin: germline.
Comment: Variant summary: NOTCH3 c.1759C>T (p.Arg587Cys) results in a non-conservative amino acid change located in the EGF-like domain (IPR000742) of the encoded protein sequence. Four of five in-silico tools predict a damaging effect of the variant on protein function. The variant allele was found at a frequency of 3.6e-05 in 250572 control chromosomes (gnomAD). c.1759C>T has been reported in the literature in multiple individuals affected with CADASIL (e.g. Kim_2006, Chen_2017). These data indicate that the variant is very likely to be associated with disease. The following publications have been ascertained in the context of this evaluation (PMID: 28710804, 16717210). ClinVar contains an entry for this variant (Variation ID: 1339489). Based on the evidence outlined above, the variant was classified as pathogenic.

Mendelics
Classification: Pathogenic. Last evaluated: 2024-04-24. Review status: criteria provided, single submitter. Criteria: Mendelics Assertion Criteria 2019. Collection method: clinical testing. Allele origin: germline.

3billion
Classification: Likely pathogenic for Cerebral arteriopathy, autosomal dominant, with subcortical infarcts and leukoencephalopathy, type 1. Last evaluated: 2024-02-19. Review status: criteria provided, single submitter. Criteria: ACMG Guidelines, 2015. Collection method: clinical testing. Allele origin: germline. Affected: yes.
Comment: The variant is observed at an allele frequency greater than expected for the associated disorder in the gnomAD v2.1.1 dataset and therefore considered benign. Predicted Consequence/Location: Missense changes are a common disease-causing mechanism. In silico tool predictions suggest damaging effect of the variant on gene or gene product [REVEL: 0.76 (>=0.6, sensitivity 0.68 and specificity 0.92); 3Cnet: 0.74 (>=0.6, sensitivity 0.72 and precision 0.9)]. Same nucleotide change resulting in same amino acid change has been previously reported as pathogenic/likely pathogenic with strong evidence (ClinVar ID: VCV001339489 /PMID: 16717210). A different missense change at the same codon (p.Arg587Ser) has been reported to be associated with NOTCH3-related disorder (PMID: 31915071). Therefore, this variant is classified as Likely pathogenic according to the recommendation of ACMG/AMP guideline.

NM_000435.3(NOTCH3):c.1759C>T (p.Arg587Cys)

Gene: NOTCH3 (notch receptor 3; minus strand). Cytogenetic location: 19p13.12.
Variant type: single nucleotide variant.
Coding change: c.1759C>T on transcript NM_000435.3 (MANE Select); coding-DNA position 1759, C replaced by T.
Protein change: p.Arg587Cys; replaces arginine 587 with cysteine.
Molecular consequence: missense variant.
Genome position (GRCh38, 1-based): chr19:15,187,186, G>A on the plus strand (C>T on the coding strand, the complement: NOTCH3 is on the minus strand). VCF-style: chr19-15187186-G-A. GRCh37 (hg19) VCF-style: chr19-15297997-G-A.
Other names: p.Arg587Cys; c.1759C>T (NM_000435.2); short protein forms R587C.
Identifiers: ClinVar variation 1339489 (VCV001339489.21), dbSNP rs754554486, ClinGen allele CA9263555.